The following is an entry in ClinVar:

NM_174936.4(PCSK9):c.658-7C>T

Gene: PCSK9 (proprotein convertase subtilisin/kexin type 9; plus strand). Cytogenetic location: 1p32.3.
Variant type: single nucleotide variant.
Coding change: c.658-7C>T on transcript NM_174936.4 (MANE Select); 7 bases into the intron before coding-DNA position 658, C replaced by T.
Molecular consequence: intron variant.
Genome position (GRCh38, 1-based): chr1:55,052,643, C>T. VCF-style: chr1-55052643-C-T. GRCh37 (hg19) VCF-style: chr1-55518316-C-T.
Other names: p.?.
Identifiers: ClinVar variation 36672 (VCV000036672.42), dbSNP rs2483205, ClinGen allele CA023184.

ClinVar aggregate classification (germline): Benign. Review status: criteria provided, multiple submitters, no conflicts (2 of 4 stars). 20 submissions from 19 submitters: Benign (16). 4 of the submissions do not count toward it. Last evaluated 2026-02-04.

Conditions:
Hypobetalipoproteinemia. Identifiers: Orphanet 31154, MedGen C0020597, MONDO:0017774.
Familial hypercholesterolemia. Also called: Familial hypercholesterolaemia; Familial hypercholesterolemias. Identifiers: MedGen C0020445, MONDO:0005439.
Hypercholesterolemia, familial, 1. Also called: HYPERCHOLESTEROLEMIA, FAMILIAL, MODIFIER OF; LDL RECEPTOR DISORDER; Hyperlipoproteinemia Type IIa; HYPER-LOW-DENSITY-LIPOPROTEINEMIA; HYPERCHOLESTEROLEMIC XANTHOMATOSIS, FAMILIAL; Fredrickson type IIa hyperlipoproteinemia. Identifiers: Orphanet 391665, MedGen C0745103, MONDO:0007750, OMIM 143890.
Hypercholesterolemia, autosomal dominant, 3 (FHCL3). Also called: Familial hypercholesterolemia 3; PCSK9-Related Familial Hypercholesterolemia, Autosomal Dominant; Familial Hypercholesterolemia, Autosomal Dominant, 3. Identifiers: MedGen C1863551, MONDO:0011369, OMIM 603776.

Allele frequency attached by ClinVar (database versions not stated): 1000 Genomes Project 0.39417; ExAC 0.42759; ESP Exome Variant Server 0.45817; TOPMed 0.43942; 1000 Genomes Project 30x 0.39663; gnomAD exomes 0.41882; gnomAD 0.44521 and 0.45035.
gnomAD v4.1: 702,213 of 1,612,178 alleles (44%); highest among the groups gnomAD compares: African/African-American, 49%; 154,963 homozygotes.

Submissions (20):

Labcorp Genetics (formerly Invitae), Labcorp
Classification: Benign for Hypercholesterolemia, autosomal dominant, 3. Last evaluated: 2026-02-04. Review status: criteria provided, single submitter. Criteria: Invitae Variant Classification Sherloc (09022015). Collection method: clinical testing. Allele origin: germline.

ARUP Laboratories, Molecular Genetics and Genomics, ARUP Laboratories
Classification: Benign. Last evaluated: 2025-07-25. Review status: criteria provided, single submitter. Criteria: ARUP Molecular Germline Variant Investigation Process 2024. Collection method: clinical testing. Allele origin: germline.

Molecular Diagnostic Laboratory for Inherited Cardiovascular Disease, Montreal Heart Institute
Classification: Benign. Last evaluated: 2025-04-09. Review status: criteria provided, single submitter. Criteria: ACMG Guidelines, 2015. Collection method: clinical testing. Allele origin: germline. Affected: no.

Blueprint Genetics
Classification: Benign. Last evaluated: 2024-11-26. Review status: criteria provided, single submitter. Criteria: ACMG Guidelines, 2015. Collection method: clinical testing. Allele origin: germline.

GENinCode PLC
Classification: Benign for Familial hypercholesterolemia. Last evaluated: 2022-07-01. Review status: criteria provided, single submitter. Criteria: ACMG Guidelines, 2015. Collection method: clinical testing. Allele origin: germline.

Genome-Nilou Lab
Classification: Benign for Hypercholesterolemia, autosomal dominant, 3. Last evaluated: 2021-09-05. Review status: criteria provided, single submitter. Criteria: ACMG Guidelines, 2015. Collection method: clinical testing. Allele origin: germline. Affected: no.

Illumina Laboratory Services, Illumina
Classification: Benign for Hypobetalipoproteinemia. Last evaluated: 2018-01-12. Review status: criteria provided, single submitter. Criteria: ICSL Variant Classification Criteria 13 December 2019. Collection method: clinical testing. Allele origin: germline.
Comment: This variant was observed in the ICSL laboratory as part of a predisposition screen in an ostensibly healthy population. It had not been previously curated by ICSL or reported in the Human Gene Mutation Database (HGMD: prior to June 1st, 2018), and was therefore a candidate for classification through an automated scoring system. Utilizing variant allele frequency, disease prevalence and penetrance estimates, and inheritance mode, an automated score was calculated to assess if this variant is too frequent to cause the disease. Based on the score and internal cut-off values, a variant classified as benign is not then subjected to further curation. The score for this variant resulted in a classification of benign for this disease.

Illumina Laboratory Services, Illumina
Classification: Benign for Hypercholesterolemia, autosomal dominant, 3. Last evaluated: 2018-01-12. Review status: criteria provided, single submitter. Criteria: ICSL Variant Classification Criteria 13 December 2019. Collection method: clinical testing. Allele origin: germline.
Comment: the same text as in the submission from Illumina Laboratory Services, Illumina above.

Color Diagnostics, LLC DBA Color Health
Classification: Benign for Familial hypercholesterolemia. Last evaluated: 2017-06-22. Review status: criteria provided, single submitter. Criteria: ACMG Guidelines, 2015. Collection method: clinical testing. Allele origin: germline.

GeneDx
Classification: Benign. Last evaluated: 2016-09-28. Review status: criteria provided, single submitter. Criteria: GeneDx Variant Classification (06012015). Collection method: clinical testing. Allele origin: germline. Affected: yes.
Comment: This variant is considered likely benign or benign based on one or more of the following criteria: it is a conservative change, it occurs at a poorly conserved position in the protein, it is predicted to be benign by multiple in silico algorithms, and/or has population frequency not consistent with disease.

Cardiovascular Research Group, Instituto Nacional de Saude Doutor Ricardo Jorge
Classification: Benign for Familial hypercholesterolemia. Last evaluated: 2016-03-01. Review status: criteria provided, single submitter. Criteria: ACMG Guidelines, 2015. Collection method: research. Allele origin: germline. Affected: yes.

Iberoamerican FH Network
Classification: Benign for Familial hypercholesterolemia. Last evaluated: 2016-03-01. Review status: criteria provided, single submitter. Criteria: ACMG Guidelines, 2015. Collection method: research. Allele origin: germline.
Comment: Variant present in the database from Mexico

Mayo Clinic Laboratories, Mayo Clinic
Classification: Benign. Last evaluated: 2014-02-26. Review status: criteria provided, single submitter. Criteria: ACMG Guidelines, 2015. Collection method: clinical testing. Allele origin: germline. Observed: 910 variant alleles.

Women's Health and Genetics/Laboratory Corporation of America, LabCorp
Classification: Benign for Familial Hypercholesterolemia. Last evaluated: 2011-08-18. Review status: criteria provided, single submitter. Criteria: LabCorp Variant Classification Summary - May 2015. Collection method: clinical testing. Allele origin: not applicable. Inheritance: autosomal unknown.
ClinVar note: Converted during submission from benign to Benign.

Breakthrough Genomics
Classification: Benign. Review status: criteria provided, single submitter. Criteria: ACMG Guidelines, 2015. Collection method: not provided. Allele origin: germline. Inheritance: Autosomal dominant inheritance. Affected: yes.

PreventionGenetics, part of Exact Sciences
Classification: Benign. Review status: criteria provided, single submitter. Criteria: ACMG Guidelines, 2015. Collection method: clinical testing. Allele origin: germline.

Cohesion Phenomics
Classification: Benign for Familial hypercholesterolemia. Last evaluated: 2023-02-09. Review status: no assertion criteria provided. Criteria: ACMG Guidelines, 2015. Collection method: clinical testing. Allele origin: germline. Affected: yes. Not counted in ClinVar's aggregate classification.

Clinical Genetics, Academic Medical Center
Classification: Benign. Review status: no assertion criteria provided. Collection method: clinical testing. Allele origin: germline. Affected: yes. Study: VKGL Data-share Consensus. Not counted in ClinVar's aggregate classification.

Diagnostic Laboratory, Department of Genetics, University Medical Center Groningen
Classification: Benign for Hypercholesterolemia, autosomal dominant, 3. Review status: no assertion criteria provided. Collection method: clinical testing. Allele origin: germline. Affected: yes. Study: VKGL Data-share Consensus. Not counted in ClinVar's aggregate classification.

Laboratorium voor Moleculaire Diagnostiek Experimentele Vasculaire Geneeskunde, Academisch Medisch Centrum
Classification: Benign for Familial hypercholesterolemia. Review status: no assertion criteria provided. Collection method: research. Allele origin: germline. Not counted in ClinVar's aggregate classification.

Literature cited by the submitters: PubMed 12730697 (cited by Women's Health and Genetics/Laboratory Corporation of America, LabCorp); PubMed 17094996 (cited by Women's Health and Genetics/Laboratory Corporation of America, LabCorp).